The following is an entry in ClinVar:

NM_000441.2(SLC26A4):c.1271G>T (p.Gly424Val)

Gene: SLC26A4 (solute carrier family 26 member 4; plus strand). Cytogenetic location: 7q22.3.
Variant type: single nucleotide variant.
Coding change: c.1271G>T on transcript NM_000441.2 (MANE Select); coding-DNA position 1271, G replaced by T.
Protein change: p.Gly424Val; replaces glycine 424 with valine.
Molecular consequence: missense variant.
Genome position (GRCh38, 1-based): chr7:107,694,410, G>T. VCF-style: chr7-107694410-G-T. GRCh37 (hg19) VCF-style: chr7-107334855-G-T.
Other names: short protein forms G424V.
Identifiers: ClinVar variation 3636763 (VCV003636763.2).

ClinVar aggregate classification (germline): Likely pathogenic (1 of 4 stars; one submission).

Submission:

Labcorp Genetics (formerly Invitae), Labcorp
Classification: Likely pathogenic. Last evaluated: 2024-03-26. Review status: criteria provided, single submitter. Criteria: Invitae Variant Classification Sherloc (09022015). Collection method: clinical testing. Allele origin: germline.
Comment: This sequence change replaces glycine, which is neutral and non-polar, with valine, which is neutral and non-polar, at codon 424 of the SLC26A4 protein (p.Gly424Val). This variant is not present in population databases (gnomAD no frequency). This variant has not been reported in the literature in individuals affected with SLC26A4-related conditions. Advanced modeling of protein sequence and biophysical properties (such as structural, functional, and spatial information, amino acid conservation, physicochemical variation, residue mobility, and thermodynamic stability) performed at Invitae indicates that this missense variant is expected to disrupt SLC26A4 protein function with a positive predictive value of 95%. This variant disrupts the p.Gly424 amino acid residue in SLC26A4. Other variant(s) that disrupt this residue have been determined to be pathogenic (PMID: 18285825, 19017801). This suggests that this residue is clinically significant, and that variants that disrupt this residue are likely to be disease-causing. In summary, the currently available evidence indicates that the variant is pathogenic, but additional data are needed to prove that conclusively. Therefore, this variant has been classified as Likely Pathogenic.

Literature cited by the submitters: PubMed 18285825; PubMed 19017801.